The following is an entry in ClinVar:

ClinVar aggregate classification (germline): Uncertain significance. Review status: criteria provided, multiple submitters, no conflicts (2 of 4 stars). 2 submissions from 2 submitters: Uncertain significance (2). Last evaluated 2024-05-15.

Allele frequency attached by ClinVar (database versions not stated): TOPMed 0.00002; gnomAD exomes below 0.00001; ExAC 0.00001; gnomAD 0.00001.
gnomAD v4.1: 3 of 1,611,024 alleles (0.00019%); highest among the groups gnomAD compares: African/African-American, 0.004%; no homozygotes.

Submissions (2):

Ambry Genetics
Classification: Uncertain significance. Last evaluated: 2024-05-15. Review status: criteria provided, single submitter. Criteria: Ambry Variant Classification Scheme 2023. Collection method: clinical testing. Allele origin: germline.

Labcorp Genetics (formerly Invitae), Labcorp
Classification: Uncertain significance. Last evaluated: 2023-05-15. Review status: criteria provided, single submitter. Criteria: Invitae Variant Classification Sherloc (09022015). Collection method: clinical testing. Allele origin: germline.
Comment: ClinVar contains an entry for this variant (Variation ID: 1419075). An algorithm developed to predict the effect of missense changes on protein structure and function (PolyPhen-2) suggests that this variant is likely to be disruptive. In summary, the available evidence is currently insufficient to determine the role of this variant in disease. Therefore, it has been classified as a Variant of Uncertain Significance. This variant has not been reported in the literature in individuals affected with PLEKHM2-related conditions. The frequency data for this variant in the population databases is considered unreliable, as metrics indicate poor data quality at this position in the gnomAD database. This sequence change replaces glycine, which is neutral and non-polar, with aspartic acid, which is acidic and polar, at codon 828 of the PLEKHM2 protein (p.Gly828Asp).

NM_015164.4(PLEKHM2):c.2483G>A (p.Gly828Asp)

Gene: PLEKHM2 (pleckstrin homology and RUN domain containing M2; plus strand). Cytogenetic location: 1p36.21.
Variant type: single nucleotide variant.
Coding change: c.2483G>A on transcript NM_015164.4 (MANE Select); coding-DNA position 2483, G replaced by A.
Protein change: p.Gly828Asp; replaces glycine 828 with aspartic acid.
Molecular consequence: missense variant.
Genome position (GRCh38, 1-based): chr1:15,731,906, G>A. VCF-style: chr1-15731906-G-A. GRCh37 (hg19) VCF-style: chr1-16058401-G-A.
Other names: c.2483G>A (NM_015164.2); short protein forms G828D.
Identifiers: ClinVar variation 1419075 (VCV001419075.7), dbSNP rs750577757, ClinGen allele CA617275.
Genomic context (GRCh38, chr1:15,731,906, plus strand): 5'-CCTTGCCTCCTCGCTCCCGTTTCACCCTCCTCCTCTGGCCCAGGGGGGAGCAGTGCGGTG[G>A]CTGCCGGAGAGCCAACACCACGGATCGGCCCCACGCCTTCCAGGTCATTCTCTCCGACCG-3'
Protein context (NP_055979.2, residues 818-838): SVNMGGEQCG[Gly828Asp]CRRANTTDRP